The following is an entry in ClinVar:

ClinVar aggregate classification (germline): Benign. Review status: criteria provided, multiple submitters, no conflicts (2 of 4 stars). 4 submissions from 4 submitters: Benign (4). Last evaluated 2021-07-10.

Conditions:
Lysosomal acid lipase deficiency. Also called: Acid cholesteryl ester hydrolase deficiency, type 2. Identifiers: Orphanet 275761, MedGen C5574740, MONDO:0800449, MONDO:0010204.

Allele frequency attached by ClinVar (database versions not stated): ESP Exome Variant Server 0.30271; gnomAD 0.32749 and 0.34068; gnomAD exomes 0.33573 and 0.40705; TOPMed 0.34730; ExAC 0.39928; 1000 Genomes Project 30x 0.44222; 1000 Genomes Project 0.45427.
gnomAD v4.1: 540,198 of 1,603,140 alleles (34%); highest among the groups gnomAD compares: East Asian, 77%; 99,079 homozygotes.

Submissions (4):

Genome-Nilou Lab
Classification: Benign for Cholesteryl ester storage disease. Last evaluated: 2021-07-10. Review status: criteria provided, single submitter. Criteria: ACMG Guidelines, 2015. Collection method: clinical testing. Allele origin: germline. Affected: no.

GeneDx
Classification: Benign. Last evaluated: 2018-06-19. Review status: criteria provided, single submitter. Criteria: GeneDx Variant Classification (06012015). Collection method: clinical testing. Allele origin: germline. Affected: yes.
Comment: This variant is considered likely benign or benign based on one or more of the following criteria: it is a conservative change, it occurs at a poorly conserved position in the protein, it is predicted to be benign by multiple in silico algorithms, and/or has population frequency not consistent with disease.

Breakthrough Genomics
Classification: Benign. Review status: criteria provided, single submitter. Criteria: ACMG Guidelines, 2015. Collection method: not provided. Allele origin: germline. Inheritance: Autosomal recessive inheritance. Affected: yes.

PreventionGenetics, part of Exact Sciences
Classification: Benign. Review status: criteria provided, single submitter. Criteria: ACMG Guidelines, 2015. Collection method: clinical testing. Allele origin: germline.

NM_000235.4(LIPA):c.676-42G>A

Gene: LIPA (lipase A, lysosomal acid type; minus strand). Cytogenetic location: 10q23.31.
Variant type: single nucleotide variant.
Coding change: c.676-42G>A on transcript NM_000235.4 (MANE Select); 42 bases into the intron before coding-DNA position 676, G replaced by A.
Molecular consequence: intron variant.
Genome position (GRCh38, 1-based): chr10:89,223,872, C>T on the plus strand (G>A on the coding strand, the complement: LIPA is on the minus strand). VCF-style: chr10-89223872-C-T. GRCh37 (hg19) VCF-style: chr10-90983629-C-T.
Other names: c.328-42G>A (NM_001288979.2); c.676-42G>A (NM_001127605.3).
Identifiers: ClinVar variation 255611 (VCV000255611.7), dbSNP rs1556478, ClinGen allele CA5593649.